The following is an entry in ClinVar:

NM_001655.5(ARCN1):c.984+4T>C

Gene: ARCN1 (archain 1 coat protein complex I subunit delta; plus strand). Cytogenetic location: 11q23.3.
Variant type: single nucleotide variant.
Coding change: c.984+4T>C on transcript NM_001655.5 (MANE Select); 4 bases into the intron after coding-DNA position 984, T replaced by C.
Molecular consequence: intron variant.
Genome position (GRCh38, 1-based): chr11:118,590,510, T>C. VCF-style: chr11-118590510-T-C. GRCh37 (hg19) VCF-style: chr11-118461225-T-C.
Other names: c.915+4T>C (NM_001425076.1); c.984+4T>C (NM_001425073.1, NM_001425078.1); c.819+4T>C (NM_001425077.1); c.981+4T>C (NM_001425074.1, NM_001425079.1); c.927+4T>C (NM_001425075.1); c.720+4T>C (NM_001142281.2, NM_001425081.1); c.540+4T>C (NM_001425080.1).
Identifiers: ClinVar variation 3694096 (VCV003694096.2).

ClinVar aggregate classification (germline): Uncertain significance (1 of 4 stars; one submission).

gnomAD v4.1: 1 of 1,613,846 alleles (0.000062%); highest among the groups gnomAD compares: Admixed American, 0.0017%; no homozygotes.

Submission:

Labcorp Genetics (formerly Invitae), Labcorp
Classification: Uncertain significance. Last evaluated: 2024-02-17. Review status: criteria provided, single submitter. Criteria: Invitae Variant Classification Sherloc (09022015). Collection method: clinical testing. Allele origin: germline.
Comment: This sequence change falls in intron 6 of the ARCN1 gene. It does not directly change the encoded amino acid sequence of the ARCN1 protein. It affects a nucleotide within the consensus splice site. This variant is present in population databases (rs201094957, gnomAD 0.003%). This variant has not been reported in the literature in individuals affected with ARCN1-related conditions. Variants that disrupt the consensus splice site are a relatively common cause of aberrant splicing (PMID: 17576681, 9536098). Algorithms developed to predict the effect of sequence changes on RNA splicing suggest that this variant is not likely to affect RNA splicing. In summary, the available evidence is currently insufficient to determine the role of this variant in disease. Therefore, it has been classified as a Variant of Uncertain Significance.

Literature cited by the submitters: PubMed 17576681; PubMed 9536098.